The following is an entry in ClinVar:

NM_182758.4(WDR72):c.3149-30CT[10]

Gene: WDR72 (WD repeat domain 72; minus strand). Cytogenetic location: 15q21.3.
Variant type: Microsatellite.
Coding change: c.3149-30CT[10] on transcript NM_182758.4 (MANE Select); ten copies in a row of the 2-base unit CT starting at c.3149-30; the reference has 11 copies in a row; one copy, 2 bases deleted.
Molecular consequence: intron variant.
Genome position (GRCh38, 1-based): chr15:53,523,331-53,523,332, AG deleted on the plus strand (CT on the coding strand, the reverse complement: WDR72 is on the minus strand); deleting any 2 consecutive bases within chr15:53,523,331-53,523,353 gives the same sequence; the position shown is the placement nearest the transcript's 3' end. VCF-style (leftmost placement, unchanged base first): chr15-53523330-AAG-A. GRCh37 (hg19) VCF-style: chr15-53815527-AAG-A.
Other names: p.?; c.107-30CT[10] (NM_001277176.2); c.3149-10_3149-9del (NM_182758.4).
Identifiers: ClinVar variation 316582 (VCV000316582.10), dbSNP rs57737580, ClinGen allele CA7570650.

ClinVar aggregate classification (germline): Conflicting classifications of pathogenicity. Review status: criteria provided, conflicting classifications (1 of 4 stars). 4 submissions from 4 submitters: Uncertain significance (1); Benign (1); Likely benign (1). 1 of the submissions does not count toward it. Last evaluated 2024-11-27.

Conditions:
WDR72-related disorder. Also called: WDR72-related condition.

Submissions (4):

Blueprint Genetics
Classification: Likely benign. Last evaluated: 2024-11-27. Review status: criteria provided, single submitter. Criteria: ACMG Guidelines, 2015. Collection method: clinical testing. Allele origin: germline.

Mayo Clinic Laboratories, Mayo Clinic
Classification: Benign. Last evaluated: 2022-03-09. Review status: criteria provided, single submitter. Criteria: ACMG Guidelines, 2015. Collection method: clinical testing. Allele origin: germline. Observed: 19 variant alleles.

Breakthrough Genomics
Classification: Uncertain significance. Review status: criteria provided, single submitter. Criteria: ACMG Guidelines, 2015. Collection method: not provided. Allele origin: germline. Inheritance: Autosomal recessive inheritance. Affected: yes.

PreventionGenetics, part of Exact Sciences
Classification: Benign for WDR72-related condition. Last evaluated: 2019-08-29. Review status: no assertion criteria provided. Collection method: clinical testing. Allele origin: germline. Not counted in ClinVar's aggregate classification.
Comment: This variant is classified as benign based on ACMG/AMP sequence variant interpretation guidelines (Richards et al. 2015 PMID: 25741868, with internal and published modifications).